The following is an entry in ClinVar:

NM_006440.5(TXNRD2):c.229+6del

Gene: TXNRD2 (thioredoxin reductase 2; minus strand). Cytogenetic location: 22q11.21.
Variant type: Deletion.
Coding change: c.229+6del on transcript NM_006440.5 (MANE Select); 6 bases into the intron after coding-DNA position 229, one base deleted (C; older notation c.229+6delC).
Molecular consequence: intron variant.
Genome position (GRCh38, 1-based): chr22:19,919,537, G deleted on the plus strand (C on the coding strand, the reverse complement: TXNRD2 is on the minus strand). VCF-style (leftmost placement, unchanged base first): chr22-19919536-TG-T. GRCh37 (hg19) VCF-style: chr22-19907059-TG-T.
Other names: c.226+6del (NM_001352300.2); c.-60+6del (NM_001352302.2); c.139+6del (NM_001352301.2); c.229+6del (NM_001282512.3); c.133+6del (NM_001352303.2).
Identifiers: ClinVar variation 3702513 (VCV003702513.2).

ClinVar aggregate classification (germline): Uncertain significance (1 of 4 stars; one submission).

Conditions:
Primary dilated cardiomyopathy (DCM). Also called: Dilated Cardiomyopathy. Identifiers: Orphanet 217604, MedGen C0007193, MeSH D002311, MONDO:0005021, HP:0001644. Inheritance: Various modes of inheritance.

Submission:

Labcorp Genetics (formerly Invitae), Labcorp
Classification: Uncertain significance for Primary dilated cardiomyopathy. Last evaluated: 2024-06-25. Review status: criteria provided, single submitter. Criteria: Invitae Variant Classification Sherloc (09022015). Collection method: clinical testing. Allele origin: germline.
Comment: This sequence change falls in intron 3 of the TXNRD2 gene. It does not directly change the encoded amino acid sequence of the TXNRD2 protein. It affects a nucleotide within the consensus splice site. This variant is not present in population databases (gnomAD no frequency). This variant has not been reported in the literature in individuals affected with TXNRD2-related conditions. Variants that disrupt the consensus splice site are a relatively common cause of aberrant splicing (PMID: 17576681, 9536098). Algorithms developed to predict the effect of sequence changes on RNA splicing suggest that this variant is not likely to affect RNA splicing. In summary, the available evidence is currently insufficient to determine the role of this variant in disease. Therefore, it has been classified as a Variant of Uncertain Significance.

Literature cited by the submitters: PubMed 17576681; PubMed 9536098.